The following is an entry in ClinVar:

NM_198525.3(KIF7):c.37G>A (p.Glu13Lys)

Gene: KIF7 (kinesin family member 7; minus strand). Cytogenetic location: 15q26.1.
Variant type: single nucleotide variant.
Coding change: c.37G>A on transcript NM_198525.3 (MANE Select); coding-DNA position 37, G replaced by A.
Protein change: p.Glu13Lys; replaces glutamic acid 13 with lysine.
Molecular consequence: missense variant.
Genome position (GRCh38, 1-based): chr15:89,652,894, C>T on the plus strand (G>A on the coding strand, the complement: KIF7 is on the minus strand). VCF-style: chr15-89652894-C-T. GRCh37 (hg19) VCF-style: chr15-90196125-C-T.
Other names: c.37G>A (NM_198525.2); short protein forms E13K.
Identifiers: ClinVar variation 1966085 (VCV001966085.7), dbSNP rs765192038, ClinGen allele CA7728692.

ClinVar aggregate classification (germline): Uncertain significance. Review status: criteria provided, multiple submitters, no conflicts (2 of 4 stars). 3 submissions from 3 submitters: Uncertain significance (3). Last evaluated 2024-05-22.

Conditions:
Acrocallosal syndrome (ACLS). Also called: HALLUX DUPLICATION, POSTAXIAL POLYDACTYLY, AND ABSENCE OF CORPUS CALLOSUM; Schinzel syndrome 1; Absence of corpus callosum with unusual facial appearance, mental deficiency, duplication of the halluces and polydactyly. Identifiers: Orphanet 36, MedGen C0796147, MONDO:0008708, OMIM 200990.
Hydrolethalus syndrome 2 (HLS2). Identifiers: Orphanet 2189, MedGen C3279899, MONDO:0013585, OMIM 614120.
Multiple epiphyseal dysplasia, Al-Gazali type. Also called: Macrocephaly with multiple epiphyseal dysplasia and distinctive facies. Identifiers: Orphanet 166024, MedGen C1846722, MONDO:0011778, OMIM 607131.

Allele frequency attached by ClinVar (database versions not stated): gnomAD exomes below 0.00001; gnomAD 0.00002; TOPMed 0.00002; ExAC 0.00008.
gnomAD v4.1: 4 of 1,534,020 alleles (0.00026%); highest among the groups gnomAD compares: African/African-American, 0.0055%; no homozygotes.

Submissions (3):

GeneDx
Classification: Uncertain significance. Last evaluated: 2024-05-22. Review status: criteria provided, single submitter. Criteria: GeneDx Variant Classification Process June 2021. Collection method: clinical testing. Allele origin: germline. Affected: yes.
Comment: In silico analysis supports that this missense variant has a deleterious effect on protein structure/function; Has not been previously published as pathogenic or benign to our knowledge

Fulgent Genetics
Classification: Uncertain significance for Acrocallosal syndrome; Multiple epiphyseal dysplasia, Al-Gazali type; Hydrolethalus syndrome 2. Last evaluated: 2024-05-13. Review status: criteria provided, single submitter. Criteria: ACMG Guidelines, 2015. Collection method: clinical testing. Allele origin: germline.

Labcorp Genetics (formerly Invitae), Labcorp
Classification: Uncertain significance for Acrocallosal syndrome. Last evaluated: 2024-02-10. Review status: criteria provided, single submitter. Criteria: Invitae Variant Classification Sherloc (09022015). Collection method: clinical testing. Allele origin: germline.
Comment: This sequence change replaces glutamic acid, which is acidic and polar, with lysine, which is basic and polar, at codon 13 of the KIF7 protein (p.Glu13Lys). This variant is present in population databases (rs765192038, gnomAD 0.02%). This variant has not been reported in the literature in individuals affected with KIF7-related conditions. ClinVar contains an entry for this variant (Variation ID: 1966085). Advanced modeling of protein sequence and biophysical properties (such as structural, functional, and spatial information, amino acid conservation, physicochemical variation, residue mobility, and thermodynamic stability) performed at Invitae indicates that this missense variant is not expected to disrupt KIF7 protein function with a negative predictive value of 80%. In summary, the available evidence is currently insufficient to determine the role of this variant in disease. Therefore, it has been classified as a Variant of Uncertain Significance.